The following is an entry in ClinVar:

NM_000152.5(GAA):c.2479C>T (p.Gln827Ter)

Gene: GAA (alpha glucosidase; plus strand). Cytogenetic location: 17q25.3.
Variant type: single nucleotide variant.
Coding change: c.2479C>T on transcript NM_000152.5 (MANE Select); coding-DNA position 2479, C replaced by T.
Protein change: p.Gln827Ter; replaces glutamine 827 with a stop codon.
Molecular consequence: nonsense.
Genome position (GRCh38, 1-based): chr17:80,117,747, C>T. VCF-style: chr17-80117747-C-T. GRCh37 (hg19) VCF-style: chr17-78091546-C-T.
Other names: c.2479C>T, p.Gln827Ter (NM_001079803.3, NM_001079804.3); short protein forms Q827*.
Identifiers: ClinVar variation 871521 (VCV000871521.44), dbSNP rs2039389744, ClinGen allele CA401325543.

ClinVar aggregate classification (germline): Pathogenic. Review status: criteria provided, multiple submitters, no conflicts (2 of 4 stars). 3 submissions from 3 submitters: Pathogenic (3). Last evaluated 2026-07-01.

Conditions:
Glycogen storage disease, type II (IOPD). Also called: Glycogen storage disease type 2; Acid maltase deficiency disease; Aglucosidase alfa; Deficiency of alpha-glucosidase; Deficiency of lysosomal alpha-glucosidase; POMPE DISEASE, INFANTILE-ONSET. Identifiers: Orphanet 365, MedGen C0017921, MONDO:0009290, OMIM 232300.

Submissions (3):

Genomenon, Inc
Classification: Pathogenic for Glycogen storage disease, type II. Last evaluated: 2026-07-01. Review status: criteria provided, single submitter. Criteria: Genomenon Sequence Variant Interpretation Standards - Updated. Collection method: curation. Allele origin: germline. Affected: yes.
Comment: GAA p.Gln827Ter (c.2479C>T) is a nonsense variant that introduces a premature stop codon at amino acid position 827 and is predicted to result in a truncated or absent protein product. This variant has been observed in at least one proband with a GAA-related disorder (PMID:34852371). It is absent or not present at a significant frequency in gnomAD. In conclusion, we classify GAA p.Gln827Ter (c.2479C>T) as a pathogenic variant.

Revvity Omics, Revvity
Classification: Pathogenic. Last evaluated: 2023-05-10. Review status: criteria provided, single submitter. Criteria: ACMG Guidelines, 2015. Collection method: clinical testing. Allele origin: germline.

CeGaT Center for Human Genetics Tuebingen
Classification: Pathogenic. Last evaluated: 2019-06-01. Review status: criteria provided, single submitter. Criteria: CeGaT Center For Human Genetics Tuebingen Variant Classification Criteria Version 2. Collection method: clinical testing. Allele origin: germline. Affected: yes. Observed: 3 variant alleles.

Literature cited by the submitters: PubMed 34852371 (cited by Genomenon, Inc).